The following is an entry in ClinVar:

ClinVar aggregate classification (germline): Likely pathogenic (1 of 4 stars; one submission).

Conditions:
Alstrom syndrome (ALMS). Identifiers: Orphanet 64, MedGen C0268425, MONDO:0008763, OMIM 203800.

Submission:

Labcorp Genetics (formerly Invitae), Labcorp
Classification: Likely pathogenic for Alstrom syndrome. Last evaluated: 2022-07-13. Review status: criteria provided, single submitter. Criteria: Invitae Variant Classification Sherloc (09022015). Collection method: clinical testing. Allele origin: germline.
Comment: This variant results in a copy number gain of the genomic region encompassing exon(s) 16 of the ALMS1 gene. While the exact position of this variant cannot be determined from the data, sub-genic copy number gains are generally in tandem (PMID: 25640679). This variant is predicted to be out-of-frame, and may result in an absent or disrupted protein product. Loss-of-function variants in ALMS1 are known to be pathogenic (PMID: 17594715). This variant has not been reported in the literature in individuals affected with ALMS1-related conditions. In summary, the currently available evidence indicates that the variant is pathogenic, but additional data are needed to prove that conclusively. Therefore, this variant has been classified as Likely Pathogenic.

Literature cited by the submitters: PubMed 25640679; PubMed 17594715.

NC_000002.11:g.(?_73799379)_(73800561_?)dup

Gene: ALMS1 (ALMS1 centrosome and basal body associated protein; plus strand). Cytogenetic location: 2p13.1.
Variant type: Duplication.
Identifiers: ClinVar variation 2426074 (VCV002426074.3).